The following is an entry in ClinVar:

NM_003803.4(MYOM1):c.2574G>C (p.Arg858Ser)

Gene: MYOM1 (myomesin 1; minus strand). Cytogenetic location: 18p11.31.
Variant type: single nucleotide variant.
Coding change: c.2574G>C on transcript NM_003803.4 (MANE Select); coding-DNA position 2574, G replaced by C.
Protein change: p.Arg858Ser; replaces arginine 858 with serine.
Molecular consequence: missense variant. On other transcripts: intron variant (1).
Genome position (GRCh38, 1-based): chr18:3,129,452, C>G on the plus strand (G>C on the coding strand, the complement: MYOM1 is on the minus strand). VCF-style: chr18-3129452-C-G. GRCh37 (hg19) VCF-style: chr18-3129450-C-G.
Other names: c.2506+1923G>C (NM_019856.2); short protein forms R858S.
Identifiers: ClinVar variation 525010 (VCV000525010.8), dbSNP rs1422382078, ClinGen allele CA401710383.

ClinVar aggregate classification (germline): Uncertain significance (1 of 4 stars; one submission).

Conditions:
Hypertrophic cardiomyopathy. Also called: HYPERTROPHIC MYOCARDIOPATHY. Identifiers: Orphanet 217569, MedGen C0007194, MeSH D002312, MONDO:0005045, HP:0001639.

Allele frequency attached by ClinVar (database versions not stated): TOPMed below 0.00001; gnomAD exomes 0.00001.
gnomAD v4.1: 3 of 1,613,910 alleles (0.00019%); highest among the groups gnomAD compares: Admixed American, 0.005%; no homozygotes.

Submission:

Labcorp Genetics (formerly Invitae), Labcorp
Classification: Uncertain significance for Hypertrophic cardiomyopathy. Last evaluated: 2023-06-27. Review status: criteria provided, single submitter. Criteria: Invitae Variant Classification Sherloc (09022015). Collection method: clinical testing. Allele origin: germline.
Comment: This variant is present in population databases (no rsID available, gnomAD 0.006%). In summary, the available evidence is currently insufficient to determine the role of this variant in disease. Therefore, it has been classified as a Variant of Uncertain Significance. An algorithm developed to predict the effect of missense changes on protein structure and function (PolyPhen-2) suggests that this variant is likely to be tolerated. ClinVar contains an entry for this variant (Variation ID: 525010). This variant has not been reported in the literature in individuals affected with MYOM1-related conditions. This sequence change replaces arginine, which is basic and polar, with serine, which is neutral and polar, at codon 858 of the MYOM1 protein (p.Arg858Ser).